The following is an entry in ClinVar:

NM_000204.5(CFI):c.1628T>C (p.Val543Ala)

Gene: CFI (complement factor I; minus strand). Cytogenetic location: 4q25.
Variant type: single nucleotide variant.
Coding change: c.1628T>C on transcript NM_000204.5 (MANE Select); coding-DNA position 1628, T replaced by C.
Protein change: p.Val543Ala; replaces valine 543 with alanine.
Molecular consequence: missense variant. On other transcripts: 3 prime UTR variant (2), non-coding transcript variant (3), intron variant (7).
Genome position (GRCh38, 1-based): chr4:109,741,017, A>G on the plus strand (T>C on the coding strand, the complement: CFI is on the minus strand). VCF-style: chr4-109741017-A-G. GRCh37 (hg19) VCF-style: chr4-110662173-A-G.
Other names: c.1652T>C, p.Val551Ala (NM_001318057.2); c.1607T>C, p.Val536Ala (NM_001331035.2); c.1571T>C, p.Val524Ala (NM_001375283.1); c.1019T>C, p.Val340Ala (NM_001375284.1); c.1649T>C, p.Val550Ala (NM_001440986.1); c.*328T>C (NM_001440989.1, NM_001440991.1); c.1513+1474T>C (NM_001375282.1, NM_001375280.1); c.1534+1474T>C (NM_001375281.1, NM_001375279.1); and 2 more; short protein forms V340A, V524A, V536A, V543A, V550A, V551A.
Identifiers: ClinVar variation 4280559 (VCV004280559.1).
Genomic context (GRCh38, chr4:109,741,017, plus strand): 5'-GCCACTTTGGTGTAAACACCTGGGAACTCTGGTTTTCCACAGTTTTCCCCCCAACTCACA[A>G]CACCCCAGACATAAGTCACATTGTTGGCATCCATACAGACTAAGGGGCCTCCAGAGTCCC-3'
Protein context (NP_000195.3, residues 533-553): DANNVTYVWG[Val543Ala]VSWGENCGKP

ClinVar aggregate classification (germline): Likely pathogenic, low penetrance (1 of 4 stars; one submission).

Conditions:
CFI-related disorder. Also called: CFI-related condition; CFI-related disorders. Identifiers: MedGen CN239325.

Submission:

Genomenon, Inc
Classification: Likely pathogenic, low penetrance for CFI-related disorder. Last evaluated: 2025-09-26. Review status: criteria provided, single submitter. Criteria: Genomenon Sequence Variant Interpretation Standards - Updated. Collection method: curation. Allele origin: germline. Affected: no.
Comment: CFI p.Val543Ala (c.1628T>C) is a missense variant that changes the amino acid at residue 543 from Valine to Alanine. To our knowledge, this variant has not been reported in patients affected with CFI-related disorders in the published literature. At least one functional study has demonstrated a substantial alteration in protein function relative to the wild-type (PMID:32510551). It is absent or not present at a significant frequency in gnomAD. In silico models agree that this variant is possibly or probably damaging. In conclusion, we classify CFI p.Val543Ala (c.1628T>C) as a likely pathogenic, low penetrance variant.

Literature cited by the submitters: PubMed 32510551.